The following is an entry in ClinVar:

ClinVar aggregate classification (germline): Uncertain significance. Review status: criteria provided, multiple submitters, no conflicts (2 of 4 stars). 3 submissions from 3 submitters: Uncertain significance (3). Last evaluated 2025-09-22.

Conditions:
Ehlers-Danlos syndrome, type 4 (EDSVASC). Also called: Ehlers-Danlos syndrome vascular type; Ehlers Danlos syndrome, ecchymotic type; Ehlers Danlos syndrome, arterial type; Ehlers Danlos syndrome, Sack-Barabas type; Ehlers-Danlos Syndrome Type IV. Identifiers: Orphanet 286, MedGen C0268338, MONDO:0017314, OMIM 130050.
Familial thoracic aortic aneurysm and aortic dissection (TAAD). Also called: Thoracic aortic aneurysms and dissections. Identifiers: Orphanet 91387, MedGen C4707243, MONDO:0019625.

gnomAD v4.1: 1 of 1,612,244 alleles (0.000062%); highest among the groups gnomAD compares: Non-Finnish European, 0.000085%; no homozygotes.

Submissions (3):

Color Diagnostics, LLC DBA Color Health
Classification: Uncertain significance for Familial thoracic aortic aneurysm and aortic dissection. Last evaluated: 2025-09-22. Review status: criteria provided, single submitter. Criteria: ACMG Guidelines, 2015. Collection method: clinical testing. Allele origin: germline.
Comment: This missense variant replaces alanine with valine at codon 1084 of the COL3A1 protein. Computational prediction suggests that this variant may not impact protein structure and function. To our knowledge, functional studies have not been reported for this variant. This variant has not been reported in individuals affected with COL3A1-related disorders in the literature. This variant has not been identified in the general population by the Genome Aggregation Database (gnomAD). The available evidence is insufficient to determine the role of this variant in disease conclusively. Therefore, this variant is classified as a Variant of Uncertain Significance.

Women's Health and Genetics/Laboratory Corporation of America, LabCorp
Classification: Uncertain significance. Last evaluated: 2024-11-11. Review status: criteria provided, single submitter. Criteria: LabCorp Variant Classification Summary - May 2015. Collection method: clinical testing. Allele origin: germline.
Comment: Variant summary: COL3A1 c.3251C>T (p.Ala1084Val) results in a non-conservative amino acid change in the Collagen triple helix repeat (20 copies) (IPR008160) of the encoded protein sequence. Four of five in-silico tools predict a damaging effect of the variant on protein function. The variant was absent in 251130 control chromosomes. The available data on variant occurrences in the general population are insufficient to allow any conclusion about variant significance. To our knowledge, no occurrence of c.3251C>T in individuals affected with Aortopathy and no experimental evidence demonstrating its impact on protein function have been reported. No submitters have cited clinical-significance assessments for this variant to ClinVar. Based on the evidence outlined above, the variant was classified as uncertain significance.

Labcorp Genetics (formerly Invitae), Labcorp
Classification: Uncertain significance for Ehlers-Danlos syndrome, type 4. Last evaluated: 2024-04-11. Review status: criteria provided, single submitter. Criteria: Invitae Variant Classification Sherloc (09022015). Collection method: clinical testing. Allele origin: germline.
Comment: This sequence change replaces alanine, which is neutral and non-polar, with valine, which is neutral and non-polar, at codon 1084 of the COL3A1 protein (p.Ala1084Val). This variant is not present in population databases (gnomAD no frequency). This variant has not been reported in the literature in individuals affected with COL3A1-related conditions. Advanced modeling of protein sequence and biophysical properties (such as structural, functional, and spatial information, amino acid conservation, physicochemical variation, residue mobility, and thermodynamic stability) performed at Invitae indicates that this missense variant is not expected to disrupt COL3A1 protein function with a negative predictive value of 95%. In summary, the available evidence is currently insufficient to determine the role of this variant in disease. Therefore, it has been classified as a Variant of Uncertain Significance.

NM_000090.4(COL3A1):c.3251C>T (p.Ala1084Val)

Gene: COL3A1 (collagen type III alpha 1 chain; plus strand). Cytogenetic location: 2q32.2.
Variant type: single nucleotide variant.
Coding change: c.3251C>T on transcript NM_000090.4 (MANE Select); coding-DNA position 3251, C replaced by T.
Protein change: p.Ala1084Val; replaces alanine 1084 with valine.
Molecular consequence: missense variant.
Genome position (GRCh38, 1-based): chr2:189,006,986, C>T. VCF-style: chr2-189006986-C-T. GRCh37 (hg19) VCF-style: chr2-189871712-C-T.
Other names: short protein forms A1084V.
Identifiers: ClinVar variation 3629732 (VCV003629732.2).